The following is an entry in ClinVar:

ClinVar aggregate classification (germline): Likely pathogenic (1 of 4 stars; one submission).

Conditions:
Cardiomyopathy, familial hypertrophic 27. Identifiers: MedGen C4748014, MONDO:0054838, OMIM 618052.

Submission:

3billion
Classification: Likely pathogenic for Cardiomyopathy, familial hypertrophic 27. Last evaluated: 2024-02-26. Review status: criteria provided, single submitter. Criteria: ACMG Guidelines, 2015. Collection method: clinical testing. Allele origin: germline. Affected: yes.
Comment: The variant is not observed in the gnomAD v2.1.1 dataset. Predicted Consequence/Location: Frameshift: predicted to result in a loss or disruption of normal protein function through nonsense-mediated decay (NMD) or protein truncation. Multiple pathogenic variants are reported downstream of the variant. Therefore, this variant is classified as Likely pathogenic according to the recommendation of ACMG/AMP guideline.

NM_020778.5(ALPK3):c.1405_1412del (p.Ser469fs)

Gene: ALPK3 (alpha kinase 3; plus strand). Cytogenetic location: 15q25.3.
Variant type: Deletion.
Coding change: c.1405_1412del on transcript NM_020778.5 (MANE Select); coding-DNA positions 1405 to 1412, 8 bases deleted (TCCTTGAC; older notation c.1405_1412delTCCTTGAC).
Protein change: p.Ser469fs; shifts the reading frame from serine 469.
Molecular consequence: frameshift variant.
Genome position (GRCh38, 1-based): chr15:84,840,684-84,840,691, TCCTTGAC deleted; deleting any 8 consecutive bases within chr15:84,840,682-84,840,691 gives the same sequence; the c. name uses the placement nearest the transcript's 3' end. VCF-style (leftmost placement, unchanged base first): chr15-84840681-CACTCCTTG-C. GRCh37 (hg19) VCF-style: chr15-85383912-CACTCCTTG-C.
Other names: short protein forms S469fs.
Identifiers: ClinVar variation 3775987 (VCV003775987.1).